The following is an entry in ClinVar:

ClinVar aggregate classification (germline): Conflicting classifications of pathogenicity. Review status: criteria provided, conflicting classifications (1 of 4 stars). 5 submissions from 5 submitters: Uncertain significance (2); Likely benign (3). Last evaluated 2025-07-22.

Conditions:
Hereditary cancer-predisposing syndrome. Also called: Tumor predisposition; Hereditary Cancer Syndrome; Hereditary neoplastic syndrome; Neoplastic Syndromes, Hereditary. Identifiers: Orphanet 140162, MedGen C0027672, MeSH D009386, MONDO:0015356.
Peutz-Jeghers syndrome (PJS). Also called: POLYPOSIS, HAMARTOMATOUS INTESTINAL; POLYPS-AND-SPOTS SYNDROME; Peutz-Jeghers polyposis; Periorificial lentiginosis syndrome. Identifiers: Orphanet 2869, MedGen C0031269, MeSH D010580, MONDO:0008280, OMIM 175200.

Allele frequency attached by ClinVar (database versions not stated): gnomAD 0.00001; TOPMed 0.00001.

Submissions (5):

Labcorp Genetics (formerly Invitae), Labcorp
Classification: Likely benign for Peutz-Jeghers syndrome. Last evaluated: 2025-07-22. Review status: criteria provided, single submitter. Criteria: Invitae Variant Classification Sherloc (09022015). Collection method: clinical testing. Allele origin: germline.

Myriad Genetics, Inc.
Classification: Likely benign for Peutz-Jeghers syndrome. Last evaluated: 2025-03-26. Review status: criteria provided, single submitter. Criteria: Myriad Autosomal Dominant, Autosomal Recessive and X-Linked Classification Criteria (2023). Collection method: clinical testing. Allele origin: unknown.
Comment: This variant is considered likely benign. This variant is intronic and is not expected to impact mRNA splicing.

Color Diagnostics, LLC DBA Color Health
Classification: Likely benign for Hereditary cancer-predisposing syndrome. Last evaluated: 2024-01-05. Review status: criteria provided, single submitter. Criteria: ACMG Guidelines, 2015. Collection method: clinical testing. Allele origin: germline.

Genome-Nilou Lab
Classification: Uncertain significance for Peutz-Jeghers syndrome. Last evaluated: 2021-07-15. Review status: criteria provided, single submitter. Criteria: ACMG Guidelines, 2015. Collection method: clinical testing. Allele origin: germline. Affected: no.

Quest Diagnostics Nichols Institute San Juan Capistrano
Classification: Uncertain significance. Last evaluated: 2017-03-02. Review status: criteria provided, single submitter. Criteria: Quest Diagnostics criteria. Collection method: clinical testing. Allele origin: germline.

NM_000455.5(STK11):c.465-8G>A

Gene: STK11 (serine/threonine kinase 11; plus strand). Cytogenetic location: 19p13.3.
Variant type: single nucleotide variant.
Coding change: c.465-8G>A on transcript NM_000455.5 (MANE Select); 8 bases into the intron before coding-DNA position 465, G replaced by A.
Molecular consequence: intron variant.
Genome position (GRCh38, 1-based): chr19:1,220,365, G>A. VCF-style: chr19-1220365-G-A. GRCh37 (hg19) VCF-style: chr19-1220364-G-A.
Identifiers: ClinVar variation 237803 (VCV000237803.21), dbSNP rs878853990, ClinGen allele CA10583786.